The following is an entry in ClinVar:

NM_000797.4(DRD4):c.933T>G (p.Ala311=)

Gene: DRD4 (dopamine receptor D4; plus strand). Cytogenetic location: 11p15.5.
Variant type: single nucleotide variant.
Coding change: c.933T>G on transcript NM_000797.4 (MANE Select); coding-DNA position 933, T replaced by G.
Protein change: p.Ala311=; no amino-acid change (alanine 311 retained).
Molecular consequence: synonymous variant.
Genome position (GRCh38, 1-based): chr11:640,182, T>G. VCF-style: chr11-640182-T-G. GRCh37 (hg19) VCF-style: chr11-640182-T-G.
Identifiers: ClinVar variation 2507405 (VCV002507405.8), dbSNP rs547842677, ClinGen allele CA5785872.
Genomic context (GRCh38, chr11:640,182, plus strand): 5'-CCCCGACTGTGCGCCCCCCGCGCCCGGCCTCCCCCCGGACCCCTGCGGCTCCAACTGTGC[T>G]CCCCCCGACGCCGTCAGAGCCGCCGCGCTCCCACCCCAGACTCCACCGCAGACCCGCAGG-3'
Protein context (NP_000788.2, residues 301-321): LPPDPCGSNC[Ala311=]PPDAVRAAAL

ClinVar aggregate classification (germline): Conflicting classifications of pathogenicity. Review status: criteria provided, conflicting classifications (1 of 4 stars). 2 submissions from 2 submitters: Uncertain significance (1); Likely benign (1). Last evaluated 2025-04-01.

Conditions:
Hereditary attention deficit-hyperactivity disorder. Also called: HYPERACTIVITY OF CHILDHOOD. Identifiers: MedGen CN324066, MONDO:0100518, OMIM 143465.

Allele frequency attached by ClinVar (database versions not stated): ExAC 0.00032.

Submissions (2):

CeGaT Center for Human Genetics Tuebingen
Classification: Likely benign. Last evaluated: 2025-04-01. Review status: criteria provided, single submitter. Criteria: CeGaT Center For Human Genetics Tuebingen Variant Classification Criteria Version 2. Collection method: clinical testing. Allele origin: germline. Affected: yes. Observed: 1 variant allele.
Comment: DRD4: BP4, BP7

Clinical Genomics, Uppaluri K&H Personalized Medicine Clinic
Classification: Uncertain significance for Hereditary attention deficit-hyperactivity disorder. Review status: criteria provided, single submitter. Criteria: K &amp; H Uppaluri Personalized Medicine Clinic Variant Classification &amp; Assertion Criteria_Updated V.1. Collection method: clinical testing. Allele origin: germline. Inheritance: Autosomal dominant inheritance. Affected: yes. Observed: 1 heterozygote.
Comment: Potent mutations in Dopamine receptor uptake gene leads to decreased brain uptake of neuromodulator dopamine and are strongly associated with onset of Attention deficit hyperactivity disorder. However more evidence is required to confer the association of this particular rs547842677 with Attention deficit hyperactivity disorder.

Literature cited by the submitters: PubMed 20644990 (cited by Clinical Genomics, Uppaluri K&H Personalized Medicine Clinic); PubMed 36211978 (cited by Clinical Genomics, Uppaluri K&H Personalized Medicine Clinic); PubMed 10654656 (cited by Clinical Genomics, Uppaluri K&H Personalized Medicine Clinic); PubMed 30099719 (cited by Clinical Genomics, Uppaluri K&H Personalized Medicine Clinic); PubMed 25262643 (cited by Clinical Genomics, Uppaluri K&H Personalized Medicine Clinic); PubMed 29781347 (cited by Clinical Genomics, Uppaluri K&H Personalized Medicine Clinic).